The following is an entry in ClinVar:

NM_001379610.1(SPINK1):c.194+90A>T

Gene: SPINK1 (serine peptidase inhibitor Kazal type 1; minus strand). Cytogenetic location: 5q32.
Variant type: single nucleotide variant.
Coding change: c.194+90A>T on transcript NM_001379610.1 (MANE Select); 90 bases into the intron after coding-DNA position 194, A replaced by T.
Molecular consequence: intron variant.
Genome position (GRCh38, 1-based): chr5:147,827,932, T>A on the plus strand (A>T on the coding strand, the complement: SPINK1 is on the minus strand). VCF-style: chr5-147827932-T-A. GRCh37 (hg19) VCF-style: chr5-147207495-T-A.
Other names: c.194+90A>T (NM_003122.5, NM_001354966.2, NM_003122.3).
Identifiers: ClinVar variation 445689 (VCV000445689.21), dbSNP rs112569673, ClinGen allele CA129690006.

ClinVar aggregate classification (germline): Benign/Likely benign. Review status: criteria provided, multiple submitters, no conflicts (2 of 4 stars). 8 submissions from 8 submitters: Benign (5); Likely benign (3). Last evaluated 2025-07-30.

Conditions:
Hereditary pancreatitis (PCTT). Also called: PRSS1-Related Hereditary Pancreatitis; Hereditary chronic pancreatitis. Identifiers: Orphanet 676, MedGen C0238339, MONDO:0008185, OMIM 167800.

Allele frequency attached by ClinVar (database versions not stated): gnomAD exomes 0.00271; gnomAD 0.02936 and 0.03151; 1000 Genomes Project 0.03215; TOPMed 0.03328; 1000 Genomes Project 30x 0.03357.
gnomAD v4.1: 6,920 of 997,856 alleles (0.69%); highest among the groups gnomAD compares: African/African-American, 10%; 354 homozygotes.

Submissions (8):

Labcorp Genetics (formerly Invitae), Labcorp
Classification: Benign for Hereditary pancreatitis. Last evaluated: 2025-07-30. Review status: criteria provided, single submitter. Criteria: Invitae Variant Classification Sherloc (09022015). Collection method: clinical testing. Allele origin: germline.

ARUP Laboratories, Molecular Genetics and Genomics, ARUP Laboratories
Classification: Benign. Last evaluated: 2025-07-07. Review status: criteria provided, single submitter. Criteria: ARUP Molecular Germline Variant Investigation Process 2024. Collection method: clinical testing. Allele origin: germline.

Ambry Genetics
Classification: Benign for Hereditary pancreatitis. Last evaluated: 2024-07-12. Review status: criteria provided, single submitter. Criteria: Ambry Variant Classification Scheme 2023. Collection method: clinical testing. Allele origin: germline.

KCCC/NGS Laboratory, Kuwait Cancer Control Center
Classification: Likely benign for Hereditary pancreatitis. Last evaluated: 2023-07-07. Review status: criteria provided, single submitter. Criteria: ACMG Guidelines, 2015. Collection method: clinical testing. Allele origin: germline. Affected: yes.

Sema4
Classification: Benign for Hereditary pancreatitis. Last evaluated: 2020-09-06. Review status: criteria provided, single submitter. Criteria: Sema4 Curation Guidelines. Collection method: curation. Allele origin: germline.

GeneDx
Classification: Benign. Last evaluated: 2018-07-20. Review status: criteria provided, single submitter. Criteria: GeneDx Variant Classification Process June 2021. Collection method: clinical testing. Allele origin: germline. Affected: yes.
Comment: This variant is associated with the following publications: (PMID: 28472998, 17003641)

Center for Pediatric Genomic Medicine, Children's Mercy Hospital and Clinics
Classification: Likely benign. Last evaluated: 2017-08-15. Review status: criteria provided, single submitter. Criteria: ACMG Guidelines, 2015. Collection method: clinical testing. Allele origin: germline.

Breakthrough Genomics
Classification: Likely benign. Review status: criteria provided, single submitter. Criteria: ACMG Guidelines, 2015. Collection method: not provided. Allele origin: germline. Inheritance: Autosomal recessive inheritance. Affected: yes.